The following is an entry in ClinVar:

NM_006080.3(SEMA3A):c.1849C>T (p.Arg617Ter)

Gene: SEMA3A (semaphorin 3A; minus strand). Cytogenetic location: 7q21.11.
Variant type: single nucleotide variant.
Coding change: c.1849C>T on transcript NM_006080.3 (MANE Select); coding-DNA position 1849, C replaced by T.
Protein change: p.Arg617Ter; replaces arginine 617 with a stop codon.
Molecular consequence: nonsense.
Genome position (GRCh38, 1-based): chr7:83,963,216, G>A on the plus strand (C>T on the coding strand, the complement: SEMA3A is on the minus strand). VCF-style: chr7-83963216-G-A. GRCh37 (hg19) VCF-style: chr7-83592532-G-A.
Other names: short protein forms R617*.
Identifiers: ClinVar variation 2629220 (VCV002629220.2), dbSNP rs144701441, ClinGen allele CA367945428.

ClinVar aggregate classification (germline): Uncertain significance. Review status: criteria provided, multiple submitters, no conflicts (2 of 4 stars). 2 submissions from 2 submitters: Uncertain significance (2). Last evaluated 2024-01-16.

Conditions:
SEMA3A-related disorder. Also called: SEMA3A-related condition.

gnomAD v4.1: 5 of 1,612,758 alleles (0.00031%); highest among the groups gnomAD compares: Non-Finnish European, 0.00042%; no homozygotes.

Submissions (2):

GeneDx
Classification: Uncertain significance. Last evaluated: 2024-01-16. Review status: criteria provided, single submitter. Criteria: GeneDx Variant Classification Process June 2021. Collection method: clinical testing. Allele origin: germline. Affected: yes.
Comment: Nonsense variant predicted to result in protein truncation as the last 155 amino acids are lost, although loss-of-function variants have not been reported downstream of this position in the protein; Identified by exome sequencing in the heterozygous state in a patient with idiopathic hypogonadotropic hypogonadism (PMID: 34403359); This variant is associated with the following publications: (PMID: 34403359)

PreventionGenetics, part of Exact Sciences
Classification: Uncertain significance for SEMA3A-related condition. Last evaluated: 2023-03-28. Review status: criteria provided, single submitter. Criteria: ACMG Guidelines, 2015. Collection method: clinical testing. Allele origin: germline.
Comment: The SEMA3A c.1849C>T variant is predicted to result in premature protein termination (p.Arg617*). This variant was reported in an individual with idiopathic hypogonadotropic hypogonadism that had family members with delayed puberty; however, segregation testing was not performed (Saengkaew et al 2021. PubMed ID: 34403359). Other loss-of-function variants have been reported in the SEMA3A gene with proposed autosomal dominant and recessive inheritance; however, the evidence is still too limited to conclusively establish a a gene-disease association or mode of inheritance. This variant is reported in 0.00088% of alleles in individuals of European (Non-Finnish) descent in gnomAD. Although we suspect that this variant may be pathogenic, at this time, the clinical significance of this variant is uncertain due to the absence of conclusive functional and genetic evidence.